The following is an entry in ClinVar:

ClinVar aggregate classification (germline): Pathogenic/Likely pathogenic. Review status: criteria provided, multiple submitters, no conflicts (2 of 4 stars). 6 submissions from 6 submitters: Pathogenic (2); Likely pathogenic (3). 1 of the submissions does not count toward it. Last evaluated 2026-08-10.

Conditions:
Amyotrophic lateral sclerosis (ALS). Also called: Charcot disease; Lou Gehrig disease. Identifiers: Orphanet 803, MedGen C0002736, MONDO:0004976, HP:0007354.
ANXA11-related disorder. Also called: ANXA11-related condition.
Amyotrophic lateral sclerosis type 23. Identifiers: MedGen C4693381, MONDO:0027694, OMIM 617839.

Allele frequency attached by ClinVar (database versions not stated): gnomAD 0.00004 and 0.00005; gnomAD exomes 0.00004 and 0.00008; ExAC 0.00005; TOPMed 0.00005; ESP Exome Variant Server 0.00008.

Submissions (6):

PreventionGenetics, part of Exact Sciences
Classification: Pathogenic for ANXA11-related condition. Last evaluated: 2026-08-10. Review status: criteria provided, single submitter. Criteria: ACMG Guidelines, 2015. Collection method: clinical testing. Allele origin: germline.
Comment: The ANXA11 c.112G>A variant is predicted to result in the amino acid substitution p.Gly38Arg. This variant has been reported to be causative for amyotrophic lateral sclerosis (ALS, Smith et al. 2017. PubMed ID: 28469040; Müller et al. 2018. PubMed ID: 29650794; Teyssou et al. 2020. PubMed ID: 33218681). In vitro functional studies have shown the p.Gly38Arg variant leads to stress granule formation, and this supports its pathogenicity in ALS (Nahm et al. 2020. PubMed ID: 33087501). This variant is reported in 0.0077% of alleles in individuals of European (non-Finnish) descent in gnomAD and is interpreted as pathogenic/likely pathogenic by other laboratories in the ClinVar database (Variation ID: 488354). This variant is interpreted as pathogenic.

Victorian Clinical Genetics Services, Murdoch Childrens Research Institute
Classification: Likely pathogenic for Amyotrophic lateral sclerosis type 23. Last evaluated: 2026-03-11. Review status: criteria provided, single submitter. Criteria: ACMG Guidelines, 2015. Collection method: clinical testing. Allele origin: germline. Affected: yes.
Comment: This variant is classified as Likely pathogenic. Evidence in support of pathogenic classification: Variant is present in gnomAD <0.001 for a dominant condition (v4: 115 heterozygote(s), 0 homozygote(s)); This variant has strong previous evidence of pathogenicity in unrelated individuals. This variant has been classified as likely pathogenic/pathogenic by clinical laboratories in ClinVar. Additionally, it has been reported in the literature in multiple individuals with amyotrophic lateral sclerosis (PMID: 33218681, 28469040, 29650794, 33087501, 38896345); This variant has strong functional evidence supporting abnormal protein function. Functional studies in patient lymphoblasts showed reduced ANXA11 protein levels, and an increased rate of degradation compared to controls (PMID: 33218681). Additionally, brain histopathology showed ANXA11-positive protein deposits (PMID: 33218681); Missense variant predicted to be damaging by in silico tool(s) or highly conserved with a major amino acid change. Additional information: Variant is predicted to result in a missense amino acid change from Gly to Arg; This variant is heterozygous; This gene is associated with autosomal dominant disease; Alternative amino acid change(s) at the same position are present in gnomAD (highest allele count: v4: 12 heterozygote(s), 0 homozygote(s)); Another missense variant(s) comparable to the one identified in this case has inconclusive previous evidence for pathogenicity. p.(Gly38Glu) has been classified as a VUS by clinical laboratories in ClinVar; Variant is located in the annotated low complexity domain (PMID: 33087501); The mechanism of disease for this gene is not clearly established. Toxic gain of function is a suggested mechanism; however, loss of function has not been excluded (PMID: 33087501); The condition associated with this gene has incomplete penetrance (OMIM); Variants in this gene are known to have variable expressivity (OMIM); Inheritance information for this variant is not currently available in this individual.

Labcorp Genetics (formerly Invitae), Labcorp
Classification: Pathogenic. Last evaluated: 2026-01-10. Review status: criteria provided, single submitter. Criteria: Invitae Variant Classification Sherloc (09022015). Collection method: clinical testing. Allele origin: germline.
Comment: This sequence change replaces glycine, which is neutral and non-polar, with arginine, which is basic and polar, at codon 38 of the ANXA11 protein (p.Gly38Arg). This variant is present in population databases (rs142083484, gnomAD 0.008%). This missense change has been observed in individuals with amyotrophic lateral sclerosis (PMID: 28469040, 29650794, 33087501, 33218681; internal data). ClinVar contains an entry for this variant (Variation ID: 488354). Algorithms developed to predict the effect of variants on gene product structure and function are not available or were not evaluated for this variant. Experimental studies have shown that this missense change affects ANXA11 function (PMID: 28469040, 30109997, 33087501). For these reasons, this variant has been classified as Pathogenic.

CeGaT Center for Human Genetics Tuebingen
Classification: Likely pathogenic. Last evaluated: 2025-10-01. Review status: criteria provided, single submitter. Criteria: CeGaT Center For Human Genetics Tuebingen Variant Classification Criteria Version 2. Collection method: clinical testing. Allele origin: germline. Affected: yes. Observed: 5 variant alleles.
Comment: ANXA11: PS4, PM1, PS3:Moderate, PM2:Supporting

Clinical Omics and Informatics (COIN) Unit, Neuroscience Institute, University Of Cape Town
Classification: Likely pathogenic for Amyotrophic lateral sclerosis. Last evaluated: 2024-05-22. Review status: criteria provided, single submitter. Criteria: ACMG Guidelines, 2015. Collection method: research. Allele origin: germline. Inheritance: Autosomal dominant inheritance. Affected: yes. Observed: 1 variant allele, 1 heterozygote.
Comment: PM2_supporting: the highest population allele frequency in gnomAD v4.0 is 0.00007705 (0.008%; 8/103830 alleles in European non-Finnish population) and in gnomAD v3.1.2 is 0.0004798 (0.048%; 1/2084 alleles in Other population) and the variant is absent from an internal database of 1412 alleles. PP3 met- multiple lines of computational evidence support a deleterious effect on the gene or gene product. PM1 met- variant is located in the N-terminal low complexity domain of ANXA11 near the calcyclin binding region and clusters with other pathogenic variants (p.P35A, p.P36R, p.D40G/p.D40Y). PS3_supporting- various functional studies provide evidence that this variant affects protein function (PMID 33087501, 30109997, 28469040). PS4_moderate- variant identified in 7 unrelated probands with consistent phenotype for disorder (PMID 35047667, 33218681, 33087501, 29650794, 28469040, clinical testing).

OMIM
Classification: Pathogenic for AMYOTROPHIC LATERAL SCLEROSIS 23. Last evaluated: 2018-01-30. Review status: no assertion criteria provided. Collection method: literature only. Allele origin: germline. Not counted in ClinVar's aggregate classification.

Literature cited by the submitters: PubMed 33087501 (cited by 3 submitters); PubMed 33218681 (cited by 3 submitters); PubMed 28469040 (cited by 4 submitters); PubMed 38896345 (cited by Victorian Clinical Genetics Services, Murdoch Childrens Research Institute); PubMed 29650794 (cited by 3 submitters); PubMed 30109997 (cited by Labcorp Genetics (formerly Invitae), Labcorp and Clinical Omics and Informatics (COIN) Unit, Neuroscience Institute, University Of Cape Town); PubMed 37712079 (cited by Clinical Omics and Informatics (COIN) Unit, Neuroscience Institute, University Of Cape Town); PubMed 35047667 (cited by Clinical Omics and Informatics (COIN) Unit, Neuroscience Institute, University Of Cape Town).

NM_145868.2(ANXA11):c.112G>A (p.Gly38Arg)

Gene: ANXA11 (annexin A11; minus strand). Cytogenetic location: 10q22.3.
Variant type: single nucleotide variant.
Coding change: c.112G>A on transcript NM_145868.2 (MANE Select); coding-DNA position 112, G replaced by A.
Protein change: p.Gly38Arg; replaces glycine 38 with arginine.
Molecular consequence: missense variant.
Genome position (GRCh38, 1-based): chr10:80,170,859, C>T on the plus strand (G>A on the coding strand, the complement: ANXA11 is on the minus strand). VCF-style: chr10-80170859-C-T. GRCh37 (hg19) VCF-style: chr10-81930615-C-T.
Other names: ANXA11, GLY38ARG (rs142083484); c.112G>A, p.Gly38Arg (NM_001157.3, NM_001278407.2, NM_001278408.2 and 1 more transcripts); c.13G>A, p.Gly5Arg (NM_001278409.2); short protein forms G38R, G5R.
Identifiers: ClinVar variation 488354 (VCV000488354.45), dbSNP rs142083484, ClinGen allele CA5576379.